The following is an entry in ClinVar:

ClinVar aggregate classification (germline): Likely pathogenic (1 of 4 stars; one submission).

Conditions:
EFTUD2-related disorder. Also called: EFTUD2-related condition.

Submission:

PreventionGenetics, part of Exact Sciences
Classification: Likely pathogenic for EFTUD2-related condition. Last evaluated: 2025-11-12. Review status: criteria provided, single submitter. Criteria: ACMG Guidelines, 2015. Collection method: clinical testing. Allele origin: germline.
Comment: The EFTUD2 c.1285+1G>A variant is predicted to disrupt the GT donor site and interfere with normal splicing. To our knowledge, this variant has not been reported in the literature or in a large population database (gnomAD), indicating this variant is rare. Variants that disrupt the consensus splice donor site in EFTUD2 are expected to be pathogenic. This variant is interpreted as likely pathogenic.

NM_004247.4(EFTUD2):c.1285+1G>A

Gene: EFTUD2 (elongation factor Tu GTP binding domain containing 2; minus strand). Cytogenetic location: 17q21.31.
Variant type: single nucleotide variant.
Coding change: c.1285+1G>A on transcript NM_004247.4 (MANE Select); the canonical splice donor site of the intron after coding-DNA position 1285, G replaced by A.
Molecular consequence: splice donor variant.
Genome position (GRCh38, 1-based): chr17:44,864,929, C>T on the plus strand (G>A on the coding strand, the complement: EFTUD2 is on the minus strand). VCF-style: chr17-44864929-C-T. GRCh37 (hg19) VCF-style: chr17-42942297-C-T.
Other names: c.1180+1G>A (NM_001142605.2); c.1255+1G>A (NM_001258354.2); c.1285+1G>A (NM_001258353.2).
Identifiers: ClinVar variation 4993833 (VCV004993833.1).
Genomic context (GRCh38, chr17:44,864,929, plus strand): 5'-TGTGATACCTGTGGCAGGGCACGAGGATGACAGAGTTAAGGGGCCACGAGCACATTATTA[C>T]CTGTGAACTCGCCAAAGAACTTTTTGCAGACCAGCCTGAGCAAGGGGCGGATGTTCAGCT-3'